The following is an entry in ClinVar:

ClinVar aggregate classification (germline): Uncertain significance (1 of 4 stars; one submission).

Conditions:
Progressive myoclonic epilepsy. Also called: Familial progressive myoclonic epilepsy; Myoclonus epilepsy; Progressive myoclonus epilepsy; Myoclonic Epilepsies, Progressive. Identifiers: Orphanet 308, Orphanet 98261, MedGen C0751778, MONDO:0020074.

Submission:

Labcorp Genetics (formerly Invitae), Labcorp
Classification: Uncertain significance for Progressive myoclonic epilepsy. Last evaluated: 2020-08-27. Review status: criteria provided, single submitter. Criteria: Invitae Variant Classification Sherloc (09022015). Collection method: clinical testing. Allele origin: germline.
Comment: This variant is a gross duplication of the genomic region encompassing exons 1-2 of the SCARB2 gene. The 5' end of this event is unknown as it extends beyond the assayed region for this gene and therefore may encompass additional genes. The 3' boundary is likely confined to intron 2 of the SCARB2 gene. The exact location of this variant in the genome is unknown. Duplication of exons 1-2 has not been reported in the literature in individuals with a SCARB2-related disease. Experimental studies and prediction algorithms are not available for this variant, and the functional significance of this duplication is currently unknown. In summary, the genomic location of this duplication is unknown and the impact of this variant on SCARB2 protein function has not been established. Therefore, it has been classified as a Variant of Uncertain Significance.

NC_000004.11:g.(?_77116850)_(77134696_?)dup

Gene: SCARB2 (scavenger receptor class B member 2; minus strand). Cytogenetic location: 4q21.1.
Variant type: Duplication.
Identifiers: ClinVar variation 1064197 (VCV001064197.1).